The following is an entry in ClinVar:

ClinVar aggregate classification (germline): Uncertain significance (0 of 4 stars; one submission).

Conditions:
CHD4-related disorder. Also called: CHD4-related condition.

Allele frequency attached by ClinVar (database versions not stated): gnomAD exomes below 0.00001.
gnomAD v4.1: 1 of 1,613,856 alleles (0.000062%); highest among the groups gnomAD compares: East Asian, 0.0022%; no homozygotes.

Submission:

PreventionGenetics, part of Exact Sciences
Classification: Uncertain significance for CHD4-related condition. Last evaluated: 2023-12-28. Review status: no assertion criteria provided. Collection method: clinical testing. Allele origin: germline.
Comment: The CHD4 c.2034G>A variant is predicted to result in the amino acid substitution p.Met678Ile. To our knowledge, this variant has not been reported in the literature or in a large population database, indicating this variant is rare. At this time, the clinical significance of this variant is uncertain due to the absence of conclusive functional and genetic evidence.

NM_001273.5(CHD4):c.2034G>A (p.Met678Ile)

Gene: CHD4 (chromodomain helicase DNA binding protein 4; minus strand). Cytogenetic location: 12p13.31.
Variant type: single nucleotide variant.
Coding change: c.2034G>A on transcript NM_001273.5 (MANE Select); coding-DNA position 2034, G replaced by A.
Protein change: p.Met678Ile; replaces methionine 678 with isoleucine.
Molecular consequence: missense variant.
Genome position (GRCh38, 1-based): chr12:6,595,421, C>T on the plus strand (G>A on the coding strand, the complement: CHD4 is on the minus strand). VCF-style: chr12-6595421-C-T. GRCh37 (hg19) VCF-style: chr12-6704587-C-T.
Other names: c.2013G>A, p.Met671Ile (NM_001297553.2); c.1995G>A, p.Met665Ile (NM_001363606.2); short protein forms M665I, M671I, M678I.
Identifiers: ClinVar variation 3031788 (VCV003031788.2), dbSNP rs1948471006, ClinGen allele CA383595837.
Genomic context (GRCh38, chr12:6,595,421, plus strand): 5'-CTCCAACTTCCGAAGCTTCACCTTCTTGAGCTTCTTGCCTGGTCGGCCTTCCTCACCCCT[C>T]ATTAACTCCCTAAAGAAGAAAGACATCACACAGCTGCCCAAAATCCTTTTCTATAGAAGA-3'
Protein context (NP_001264.2, residues 668-688): KQSYWNHREL[Met678Ile]RGEEGRPGKK